The following is an entry in ClinVar:

NM_001003800.2(BICD2):c.1784C>T (p.Ala595Val)

Gene: BICD2 (BICD cargo adaptor 2; minus strand). Cytogenetic location: 9q22.31.
Variant type: single nucleotide variant.
Coding change: c.1784C>T on transcript NM_001003800.2 (MANE Select); coding-DNA position 1784, C replaced by T.
Protein change: p.Ala595Val; replaces alanine 595 with valine.
Molecular consequence: missense variant.
Genome position (GRCh38, 1-based): chr9:92,718,861, G>A on the plus strand (C>T on the coding strand, the complement: BICD2 is on the minus strand). VCF-style: chr9-92718861-G-A. GRCh37 (hg19) VCF-style: chr9-95481143-G-A.
Other names: c.1784C>T (NM_001003800.1); c.1784C>T, p.Ala595Val (NM_015250.4); short protein forms A595V.
Identifiers: ClinVar variation 2855033 (VCV002855033.4), dbSNP rs1332984607, ClinGen allele CA374035815.
Genomic context (GRCh38, chr9:92,718,861, plus strand): 5'-GATGGCAGTGAGGAGCCAGGCGAGGGGCTGCTGTCCCCCGTCCCACCATCTGCTCGGCCC[G>A]CCTCAGGAGCCAGCAGCCCCTTGGGTAGGAGGATGGGTGAGCGCCGGCCACGCGCCTCGG-3'
Protein context (NP_001003800.1, residues 585-605): LLPKGLLAPE[Ala595Val]GRADGGTGDS

ClinVar aggregate classification (germline): Uncertain significance. Review status: criteria provided, multiple submitters, no conflicts (2 of 4 stars). 2 submissions from 2 submitters: Uncertain significance (2). Last evaluated 2023-12-09.

Conditions:
Autosomal dominant childhood-onset proximal spinal muscular atrophy with contractures (SMALED2A). Also called: SPINAL MUSCULAR ATROPHY, LOWER EXTREMITY-PREDOMINANT, 2A, CHILDHOOD ONSET, AUTOSOMAL DOMINANT; Spinal muscular atrophy, lower extremity-predominant, 2A, autosomal dominant. Identifiers: Orphanet 363447, Orphanet 363454, MedGen C4747715, MONDO:0014121, OMIM 615290.

Allele frequency attached by ClinVar (database versions not stated): gnomAD 0.00001; gnomAD exomes 0.00001; TOPMed 0.00002.
gnomAD v4.1: 12 of 1,603,016 alleles (0.00075%); highest among the groups gnomAD compares: Admixed American, 0.0034%; no homozygotes.

Submissions (2):

Labcorp Genetics (formerly Invitae), Labcorp
Classification: Uncertain significance for Autosomal dominant childhood-onset proximal spinal muscular atrophy with contractures. Last evaluated: 2023-12-09. Review status: criteria provided, single submitter. Criteria: Invitae Variant Classification Sherloc (09022015). Collection method: clinical testing. Allele origin: germline.
Comment: This sequence change replaces alanine, which is neutral and non-polar, with valine, which is neutral and non-polar, at codon 595 of the BICD2 protein (p.Ala595Val). This variant is not present in population databases (gnomAD no frequency). This variant has not been reported in the literature in individuals affected with BICD2-related conditions. Advanced modeling of protein sequence and biophysical properties (such as structural, functional, and spatial information, amino acid conservation, physicochemical variation, residue mobility, and thermodynamic stability) performed at Invitae indicates that this missense variant is not expected to disrupt BICD2 protein function with a negative predictive value of 95%. In summary, the available evidence is currently insufficient to determine the role of this variant in disease. Therefore, it has been classified as a Variant of Uncertain Significance.

Victorian Clinical Genetics Services, Murdoch Childrens Research Institute
Classification: Uncertain significance for Autosomal dominant childhood-onset proximal spinal muscular atrophy with contractures. Last evaluated: 2023-07-16. Review status: criteria provided, single submitter. Criteria: ACMG Guidelines, 2015. Collection method: clinical testing. Allele origin: germline. Inheritance: Autosomal dominant inheritance. Affected: yes.
Comment: Based on the classification scheme VCGS_Germline_v1.3.4, this variant is classified as VUS-3C. Following criteria are met: 0102 - Loss of function is a known mechanism of disease in this gene and is associated with autosomal dominant spinal muscular atrophy, lower extremity-predominant, 2A (MIM:#615290), spinal muscular atrophy, lower extremity-predominant, 2B (MIM# 618291,) and neurodevelopmental disorder (MONDO#0700092), BICD2-related. (I) 0108 - This gene is associated with both recessive and dominant disease. (I) 0112 - The condition associated with this gene has incomplete penetrance. At least one report of an unaffected parent who some features on MRI but clinically unaffected (PMID: 28635954). (I) 0200 - Variant is predicted to result in a missense amino acid change from alanine to valine. (I) 0251 - This variant is heterozygous. (I) 0304 - Variant is present in gnomAD <0.01 (v3: 1 heterozygote, 0 homozygotes). (SP) 0503 - Missense variant consistently predicted to be tolerated by multiple in silico tools or not conserved in placental mammals with a minor amino acid change. (SB) 0600 - Variant is located in the annotated coiled-coiled domain (DECIPHER). (I) 0705 - No comparable missense variants have previous evidence for pathogenicity. (I) 0807 - This variant has no previous evidence of pathogenicity. (I) 0905 - No published segregation evidence has been identified for this variant. (I) 1007 - No published functional evidence has been identified for this variant. (I) 1208 - Inheritance information for this variant is not currently available in this individual. (I) Legend: (SP) - Supporting pathogenic, (I) - Information, (SB) - Supporting benign

Literature cited by the submitters: PubMed 28635954 (cited by Victorian Clinical Genetics Services, Murdoch Childrens Research Institute).